The following is an entry in ClinVar:

NM_004849.4(ATG5):c.444A>G (p.Lys148=)

Gene: ATG5 (autophagy related 5; minus strand). Cytogenetic location: 6q21.
Variant type: single nucleotide variant.
Coding change: c.444A>G on transcript NM_004849.4 (MANE Select); coding-DNA position 444, A replaced by G.
Protein change: p.Lys148=; no amino-acid change (lysine 148 retained).
Molecular consequence: synonymous variant. On other transcripts: non-coding transcript variant (2), intron variant (1).
Genome position (GRCh38, 1-based): chr6:106,279,695, T>C on the plus strand (A>G on the coding strand, the complement: ATG5 is on the minus strand). VCF-style: chr6-106279695-T-C. GRCh37 (hg19) VCF-style: chr6-106727570-T-C.
Other names: c.444A>G, p.Lys148= (NM_001286106.2, NM_001286108.2); c.210A>G, p.Lys70= (NM_001286107.2); c.109-31451A>G (NM_001286111.2).
Identifiers: ClinVar variation 3055813 (VCV003055813.2), dbSNP rs34601838, ClinGen allele CA3942652.

ClinVar aggregate classification (germline): Benign (0 of 4 stars; one submission).

Conditions:
ATG5-related disorder. Also called: ATG5-related condition.

Allele frequency attached by ClinVar (database versions not stated): gnomAD exomes 0.01695; ExAC 0.01825; gnomAD 0.02483; TOPMed 0.02619; ESP Exome Variant Server 0.02829; 1000 Genomes Project 0.03335; 1000 Genomes Project 30x 0.03342.
gnomAD v4.1: 28,540 of 1,602,582 alleles (1.8%); highest among the groups gnomAD compares: African/African-American, 5.1%; 353 homozygotes.

Submission:

PreventionGenetics, part of Exact Sciences
Classification: Benign for ATG5-related condition. Last evaluated: 2019-09-10. Review status: no assertion criteria provided. Collection method: clinical testing. Allele origin: germline.
Comment: This variant is classified as benign based on ACMG/AMP sequence variant interpretation guidelines (Richards et al. 2015 PMID: 25741868, with internal and published modifications).